The following is an entry in ClinVar:

NM_000263.4(NAGLU):c.1540C>T (p.Arg514Cys)

Gene: NAGLU (N-acetyl-alpha-glucosaminidase; plus strand). Cytogenetic location: 17q21.2.
Variant type: single nucleotide variant.
Coding change: c.1540C>T on transcript NM_000263.4 (MANE Select); coding-DNA position 1540, C replaced by T.
Protein change: p.Arg514Cys; replaces arginine 514 with cysteine.
Molecular consequence: missense variant.
Genome position (GRCh38, 1-based): chr17:42,543,546, C>T. VCF-style: chr17-42543546-C-T. GRCh37 (hg19) VCF-style: chr17-40695564-C-T.
Other names: c.1540C>T (NM_000263.3); short protein forms R514C.
Identifiers: ClinVar variation 2162782 (VCV002162782.2), dbSNP rs747653638, ClinGen allele CA8577048.
Genomic context (GRCh38, chr17:42,543,546, plus strand): 5'-TGGAGGCTACTGCTCCGGAGTGTGTACAACTGCTCCGGGGAGGCCTGCAGGGGCCACAAT[C>T]GTAGCCCGCTGGTCAGGCGGCCGTCCCTACAGATGAATACCAGCATCTGGTACAACCGAT-3'
Protein context (NP_000254.2, residues 504-524): CSGEACRGHN[Arg514Cys]SPLVRRPSLQ

ClinVar aggregate classification (germline): Uncertain significance. Review status: criteria provided, multiple submitters, no conflicts (2 of 4 stars). 2 submissions from 2 submitters: Uncertain significance (2). Last evaluated 2022-03-04.

Conditions:
Inborn genetic diseases. Identifiers: MedGen C0950123, MeSH D030342.
Charcot-Marie-Tooth disease axonal type 2V. Also called: CHARCOT-MARIE-TOOTH NEUROPATHY, TYPE 2V; CHARCOT-MARIE-TOOTH DISEASE, AXONAL, AUTOSOMAL DOMINANT, TYPE 2V. Identifiers: Orphanet 447964, MedGen C5569050, MONDO:0014665, OMIM 616491.
Mucopolysaccharidosis, MPS-III-B (MPS3B). Also called: N-ACETYL-ALPHA-D-GLUCOSAMINIDASE DEFICIENCY; NAGLU DEFICIENCY; SANFILIPPO SYNDROME B; MPS III B; MUCOPOLYSACCHARIDOSIS, TYPE IIIB; MPS IIIB (Sanfilippo Syndrome Type B). Identifiers: Orphanet 79270, MedGen C0086648, MONDO:0009656, OMIM 252920.

Allele frequency attached by ClinVar (database versions not stated): gnomAD exomes 0.00001; TOPMed below 0.00001; gnomAD 0.00001; ExAC 0.00002.

Submissions (2):

Labcorp Genetics (formerly Invitae), Labcorp
Classification: Uncertain significance for Charcot-Marie-Tooth disease axonal type 2V; Mucopolysaccharidosis, MPS-III-B. Last evaluated: 2022-03-04. Review status: criteria provided, single submitter. Criteria: Invitae Variant Classification Sherloc (09022015). Collection method: clinical testing. Allele origin: germline.
Comment: This sequence change replaces arginine, which is basic and polar, with cysteine, which is neutral and slightly polar, at codon 514 of the NAGLU protein (p.Arg514Cys). This variant is present in population databases (rs747653638, gnomAD 0.005%). This variant has not been reported in the literature in individuals affected with NAGLU-related conditions. Advanced modeling of protein sequence and biophysical properties (such as structural, functional, and spatial information, amino acid conservation, physicochemical variation, residue mobility, and thermodynamic stability) performed at Invitae indicates that this missense variant is expected to disrupt NAGLU protein function. In summary, the available evidence is currently insufficient to determine the role of this variant in disease. Therefore, it has been classified as a Variant of Uncertain Significance.

Ambry Genetics
Classification: Uncertain significance for Inborn genetic diseases. Last evaluated: 2022-02-24. Review status: criteria provided, single submitter. Criteria: Ambry Variant Classification Scheme 2023. Collection method: clinical testing. Allele origin: germline.

Literature cited by the submitters: PubMed 29979746 (cited by Ambry Genetics); PubMed 31342580 (cited by Ambry Genetics).